The following is an entry in ClinVar:

ClinVar aggregate classification (germline): Pathogenic (1 of 4 stars; one submission).

Conditions:
Fetal anomalies with a likely genetic cause.

Submission:

Genetics Laboratory, Great Ormond Street Hospital NHS Foundation Trust, North Thames Genomic Laboratory Hub
Classification: Pathogenic for Fetal anomalies with a likely genetic cause. Last evaluated: 2026-06-19. Review status: criteria provided, single submitter. Criteria: ACGS Best Practice Guidelines for Variant Classification in Rare Disease 2024 v1.2. Collection method: clinical testing. Allele origin: germline. Affected: yes.
Comment: PM2_moderate, PVS1_very-strong, PM3_supporting

NM_147127.5(EVC2):c.875_876insCC (p.Pro293fs)

Gene: EVC2 (EvC ciliary complex subunit 2; minus strand). Cytogenetic location: 4p16.2.
Variant type: Insertion.
Coding change: c.875_876insCC on transcript NM_147127.5 (MANE Select); coding-DNA positions 875 to 876, CC inserted.
Protein change: p.Pro293fs; shifts the reading frame from proline 293.
Molecular consequence: frameshift variant.
Genome position: GRCh38 VCF-style: chr4-5665644-C-CGG. GRCh37 (hg19) VCF-style: chr4-5667371-C-CGG.
Other names: c.635_636insCC, p.Pro213fs (NM_001166136.2); short protein forms P213fs, P293fs.
Identifiers: ClinVar variation 4884746 (VCV004884746.1).
Genomic context (GRCh38, chr4:5,665,644, plus strand): 5'-CAGCACAAGGGAGAGGAGGAAGGCAATGAAGAACCCTGCTGCGTGGAGGCCGTGGTGCGG[C>CGG]AGAACCTGTGGAGACAAGAGGAGAGCAGGATTCATGTGTGGTCAGACAGCATGTCTCCCA-3'